The following is an entry in ClinVar:

NM_032578.4(MYPN):c.2433T>G (p.Cys811Trp)

Gene: MYPN (myopalladin; plus strand). Cytogenetic location: 10q21.3.
Variant type: single nucleotide variant.
Coding change: c.2433T>G on transcript NM_032578.4 (MANE Select); coding-DNA position 2433, T replaced by G.
Protein change: p.Cys811Trp; replaces cysteine 811 with tryptophan.
Molecular consequence: missense variant. On other transcripts: non-coding transcript variant (2).
Genome position (GRCh38, 1-based): chr10:68,174,525, T>G. VCF-style: chr10-68174525-T-G. GRCh37 (hg19) VCF-style: chr10-69934282-T-G.
Other names: c.2433T>G, p.Cys811Trp (NM_001256267.2); c.1551T>G, p.Cys517Trp (NM_001256268.2); c.2433T>G (NM_032578.2); short protein forms C517W, C811W.
Identifiers: ClinVar variation 3384919 (VCV003384919.3).
Genomic context (GRCh38, chr10:68,174,525, plus strand): 5'-ACCAACACCACCACCATTCACATTTTCCATCCCCAGCGGAAACCAGTTTCAGCCCCGCTG[T>G]GTGTCCCCAATTCCTGTCTCTCCTACCAGCCGGATTCAGAACCCAGTGGCTTTCCTCAGC-3'
Protein context (NP_115967.2, residues 801-821): IPSGNQFQPR[Cys811Trp]VSPIPVSPTS

ClinVar aggregate classification (germline): Uncertain significance. Review status: criteria provided, multiple submitters, no conflicts (2 of 4 stars). 3 submissions from 3 submitters: Uncertain significance (3). Last evaluated 2025-02-06.

Conditions:
Cardiovascular phenotype. Identifiers: MedGen CN230736.

gnomAD v4.1: 2 of 1,613,964 alleles (0.00012%); highest among the groups gnomAD compares: African/African-American, 0.0027%; no homozygotes.

Submissions (3):

Ambry Genetics
Classification: Uncertain significance for Cardiovascular phenotype. Last evaluated: 2025-02-06. Review status: criteria provided, single submitter. Criteria: Ambry Variant Classification Scheme 2023. Collection method: clinical testing. Allele origin: germline.
Comment: The p.C811W variant (also known as c.2433T>G), located in coding exon 10 of the MYPN gene, results from a T to G substitution at nucleotide position 2433. The cysteine at codon 811 is replaced by tryptophan, an amino acid with highly dissimilar properties. This amino acid position is conserved. In addition, this alteration is predicted to be tolerated by in silico analysis. Based on the available evidence, the clinical significance of this variant remains unclear.

Women's Health and Genetics/Laboratory Corporation of America, LabCorp
Classification: Uncertain significance. Last evaluated: 2024-10-06. Review status: criteria provided, single submitter. Criteria: LabCorp Variant Classification Summary - May 2015. Collection method: clinical testing. Allele origin: germline.

GeneDx
Classification: Uncertain significance. Last evaluated: 2024-06-28. Review status: criteria provided, single submitter. Criteria: GeneDx Variant Classification Process June 2021. Collection method: clinical testing. Allele origin: germline. Affected: yes.
Comment: Has not been previously published as pathogenic or benign to our knowledge; Not observed at significant frequency in large population cohorts (gnomAD); In silico analysis indicates that this missense variant does not alter protein structure/function